The following is an entry in ClinVar:

ClinVar aggregate classification (germline): Benign/Likely benign. Review status: criteria provided, multiple submitters, no conflicts (2 of 4 stars). 5 submissions from 5 submitters: Benign (1); Likely benign (3). 1 of the submissions does not count toward it. Last evaluated 2026-01-01.

Conditions:
Inborn genetic diseases. Identifiers: MedGen C0950123, MeSH D030342.
NUP107-related disorder. Also called: NUP107-related condition.

Allele frequency attached by ClinVar (database versions not stated): ESP Exome Variant Server 0.00015; gnomAD 0.00031 and 0.00043; TOPMed 0.00038; 1000 Genomes Project 0.00060; 1000 Genomes Project 30x 0.00062; gnomAD exomes 0.00076 and 0.00108; ExAC 0.00116.
gnomAD v4.1: 1,181 of 1,611,732 alleles (0.073%); highest among the groups gnomAD compares: South Asian, 0.68%; 10 homozygotes.

Submissions (5):

CeGaT Center for Human Genetics Tuebingen
Classification: Likely benign. Last evaluated: 2026-01-01. Review status: criteria provided, single submitter. Criteria: CeGaT Center For Human Genetics Tuebingen Variant Classification Criteria Version 2. Collection method: clinical testing. Allele origin: germline. Affected: yes. Observed: 3 variant alleles.
Comment: NUP107: BP4

Labcorp Genetics (formerly Invitae), Labcorp
Classification: Benign. Last evaluated: 2025-10-29. Review status: criteria provided, single submitter. Criteria: Invitae Variant Classification Sherloc (09022015). Collection method: clinical testing. Allele origin: germline.

Blueprint Genetics
Classification: Likely benign. Last evaluated: 2024-11-13. Review status: criteria provided, single submitter. Criteria: ACMG Guidelines, 2015. Collection method: clinical testing. Allele origin: germline.

Ambry Genetics
Classification: Likely benign for Inborn genetic diseases. Last evaluated: 2023-10-27. Review status: criteria provided, single submitter. Criteria: Ambry Variant Classification Scheme 2023. Collection method: clinical testing. Allele origin: germline.

PreventionGenetics, part of Exact Sciences
Classification: Likely benign for NUP107-related condition. Last evaluated: 2022-02-03. Review status: no assertion criteria provided. Collection method: clinical testing. Allele origin: germline. Not counted in ClinVar's aggregate classification.
Comment: This variant is classified as likely benign based on ACMG/AMP sequence variant interpretation guidelines (Richards et al. 2015 PMID: 25741868, with internal and published modifications).

NM_020401.4(NUP107):c.91A>G (p.Arg31Gly)

Gene: NUP107 (nucleoporin 107; plus strand). Cytogenetic location: 12q15.
Variant type: single nucleotide variant.
Coding change: c.91A>G on transcript NM_020401.4 (MANE Select); coding-DNA position 91, A replaced by G.
Protein change: p.Arg31Gly; replaces arginine 31 with glycine.
Molecular consequence: missense variant. On other transcripts: 5 prime UTR variant (1).
Genome position (GRCh38, 1-based): chr12:68,689,044, A>G. VCF-style: chr12-68689044-A-G. GRCh37 (hg19) VCF-style: chr12-69082824-A-G.
Other names: c.-25A>G (NM_001330192.2); c.91A>G (NM_020401.2); short protein forms R31G.
Identifiers: ClinVar variation 734342 (VCV000734342.54), dbSNP rs201609471, ClinGen allele CA6677284.